The following is an entry in ClinVar:

ClinVar aggregate classification (germline): Uncertain significance (1 of 4 stars; one submission).

Conditions:
Dilated cardiomyopathy 1KK (CMD1KK). Identifiers: Orphanet 154, Orphanet 75249, MedGen C3714995, MONDO:0014100, OMIM 615248.

Allele frequency attached by ClinVar (database versions not stated): gnomAD exomes below 0.00001; ExAC 0.00001; TOPMed 0.00001.

Submission:

Labcorp Genetics (formerly Invitae), Labcorp
Classification: Uncertain significance for Dilated cardiomyopathy 1KK. Last evaluated: 2022-08-15. Review status: criteria provided, single submitter. Criteria: Invitae Variant Classification Sherloc (09022015). Collection method: clinical testing. Allele origin: germline.
Comment: In summary, the available evidence is currently insufficient to determine the role of this variant in disease. Therefore, it has been classified as a Variant of Uncertain Significance. Algorithms developed to predict the effect of missense changes on protein structure and function are either unavailable or do not agree on the potential impact of this missense change (SIFT: "Deleterious"; PolyPhen-2: "Probably Damaging"; Align-GVGD: "Class C15"). ClinVar contains an entry for this variant (Variation ID: 1359484). This variant has not been reported in the literature in individuals affected with MYPN-related conditions. This variant is not present in population databases (gnomAD no frequency). This sequence change replaces serine, which is neutral and polar, with cysteine, which is neutral and slightly polar, at codon 13 of the MYPN protein (p.Ser13Cys).

NM_032578.4(MYPN):c.38C>G (p.Ser13Cys)

Gene: MYPN (myopalladin; plus strand). Cytogenetic location: 10q21.3.
Variant type: single nucleotide variant.
Coding change: c.38C>G on transcript NM_032578.4 (MANE Select); coding-DNA position 38, C replaced by G.
Protein change: p.Ser13Cys; replaces serine 13 with cysteine.
Molecular consequence: missense variant. On other transcripts: 5 prime UTR variant (1), non-coding transcript variant (1).
Genome position (GRCh38, 1-based): chr10:68,121,476, C>G. VCF-style: chr10-68121476-C-G. GRCh37 (hg19) VCF-style: chr10-69881233-C-G.
Other names: c.38C>G, p.Ser13Cys (NM_001256267.2); c.-1085C>G (NM_001256268.2); short protein forms S13C.
Identifiers: ClinVar variation 1359484 (VCV001359484.8), dbSNP rs775838889, ClinGen allele CA5522208.
Genomic context (GRCh38, chr10:68,121,476, plus strand): 5'-TGTTATTATTATTTTGTGACAGCATGCAAGACGACAGCATAGAAGCTTCTACTTCCATAT[C>G]TCAGCTTCTAAGAGAGAGCTATTTAGCTGAAACCAGACATCGGGGAAACAATGAGAGGAG-3'
Protein context (NP_115967.2, residues 3-23): DDSIEASTSI[Ser13Cys]QLLRESYLAE